The following is an entry in ClinVar:

NM_014633.5(CTR9):c.1810A>G (p.Met604Val)

Gene: CTR9 (CTR9 component of Paf1/RNA polymerase II complex; plus strand). Cytogenetic location: 11p15.4.
Variant type: single nucleotide variant.
Coding change: c.1810A>G on transcript NM_014633.5 (MANE Select); coding-DNA position 1810, A replaced by G.
Protein change: p.Met604Val; replaces methionine 604 with valine.
Molecular consequence: missense variant.
Genome position (GRCh38, 1-based): chr11:10,767,929, A>G. VCF-style: chr11-10767929-A-G. GRCh37 (hg19) VCF-style: chr11-10789476-A-G.
Other names: c.1810A>G, p.Met604Val (NM_001346279.2); short protein forms M604V.
Identifiers: ClinVar variation 4703883 (VCV004703883.1).

ClinVar aggregate classification (germline): Uncertain significance (1 of 4 stars; one submission).

gnomAD v4.1: 3 of 1,614,162 alleles (0.00019%); highest among the groups gnomAD compares: Non-Finnish European, 0.00025%; no homozygotes.

Submission:

Labcorp Genetics (formerly Invitae), Labcorp
Classification: Uncertain significance. Last evaluated: 2025-06-03. Review status: criteria provided, single submitter. Criteria: Invitae Variant Classification Sherloc (09022015). Collection method: clinical testing. Allele origin: germline.
Comment: This sequence change replaces methionine, which is neutral and non-polar, with valine, which is neutral and non-polar, at codon 604 of the CTR9 protein (p.Met604Val). This variant is present in population databases (no rsID available, gnomAD 0.0009%). This variant has not been reported in the literature in individuals affected with CTR9-related conditions. An algorithm developed to predict the effect of missense changes on protein structure and function (PolyPhen-2) suggests that this variant is likely to be tolerated. In summary, the available evidence is currently insufficient to determine the role of this variant in disease. Therefore, it has been classified as a Variant of Uncertain Significance.